The following is an entry in ClinVar:

ClinVar aggregate classification (germline): Uncertain significance (1 of 4 stars; one submission).

Conditions:
Hereditary spastic paraplegia. Also called: Familial spastic paraparesis. Identifiers: Orphanet 685, MedGen C0037773, MONDO:0019064. Disease mechanism: loss of function.

Allele frequency attached by ClinVar (database versions not stated): TOPMed 0.00002.

Submission:

Labcorp Genetics (formerly Invitae), Labcorp
Classification: Uncertain significance for Hereditary spastic paraplegia. Last evaluated: 2022-08-16. Review status: criteria provided, single submitter. Criteria: Invitae Variant Classification Sherloc (09022015). Collection method: clinical testing. Allele origin: germline.
Comment: In summary, the available evidence is currently insufficient to determine the role of this variant in disease. Therefore, it has been classified as a Variant of Uncertain Significance. Algorithms developed to predict the effect of missense changes on protein structure and function are either unavailable or do not agree on the potential impact of this missense change (SIFT: "Tolerated"; PolyPhen-2: "Probably Damaging"; Align-GVGD: "Class C0"). ClinVar contains an entry for this variant (Variation ID: 1444287). This variant has not been reported in the literature in individuals affected with USP8-related conditions. This variant is not present in population databases (gnomAD no frequency). This sequence change replaces asparagine, which is neutral and polar, with threonine, which is neutral and polar, at codon 196 of the USP8 protein (p.Asn196Thr).

NM_005154.5(USP8):c.587A>C (p.Asn196Thr)

Gene: USP8 (ubiquitin specific peptidase 8; plus strand). Cytogenetic location: 15q21.2.
Variant type: single nucleotide variant.
Coding change: c.587A>C on transcript NM_005154.5 (MANE Select); coding-DNA position 587, A replaced by C.
Protein change: p.Asn196Thr; replaces asparagine 196 with threonine.
Molecular consequence: missense variant.
Genome position (GRCh38, 1-based): chr15:50,465,092, A>C. VCF-style: chr15-50465092-A-C. GRCh37 (hg19) VCF-style: chr15-50757289-A-C.
Other names: c.587A>C, p.Asn196Thr (NM_001128610.3); c.356A>C, p.Asn119Thr (NM_001283049.2); short protein forms N119T, N196T.
Identifiers: ClinVar variation 1444287 (VCV001444287.8), dbSNP rs937524145, ClinGen allele CA270479213.